The following is an entry in ClinVar:

NM_000400.4(ERCC2):c.1798G>T (p.Ala600Ser)

Gene: ERCC2 (ERCC excision repair 2, TFIIH core complex helicase subunit; minus strand). Cytogenetic location: 19q13.32.
Variant type: single nucleotide variant.
Coding change: c.1798G>T on transcript NM_000400.4 (MANE Select); coding-DNA position 1798, G replaced by T.
Protein change: p.Ala600Ser; replaces alanine 600 with serine.
Molecular consequence: missense variant.
Genome position (GRCh38, 1-based): chr19:45,353,116, C>A on the plus strand (G>T on the coding strand, the complement: ERCC2 is on the minus strand). VCF-style: chr19-45353116-C-A. GRCh37 (hg19) VCF-style: chr19-45856374-C-A.
Other names: short protein forms A600S.
Identifiers: ClinVar variation 2047954 (VCV002047954.3), dbSNP rs2514002038, ClinGen allele CA406364171.

ClinVar aggregate classification (germline): Uncertain significance. Review status: criteria provided, multiple submitters, no conflicts (2 of 4 stars). 2 submissions from 2 submitters: Uncertain significance (2). Last evaluated 2023-05-23.

Conditions:
Inborn genetic diseases. Identifiers: MedGen C0950123, MeSH D030342.

Submissions (2):

Ambry Genetics
Classification: Uncertain significance for Inborn genetic diseases. Last evaluated: 2023-05-23. Review status: criteria provided, single submitter. Criteria: Ambry Variant Classification Scheme 2023. Collection method: clinical testing. Allele origin: germline.
Comment: The p.A600S variant (also known as c.1798G>T), located in coding exon 19 of the ERCC2 gene, results from a G to T substitution at nucleotide position 1798. The alanine at codon 600 is replaced by serine, an amino acid with similar properties. This amino acid position is conserved. In addition, the in silico prediction for this alteration is inconclusive. Since supporting evidence is limited at this time, the clinical significance of this alteration remains unclear.

Labcorp Genetics (formerly Invitae), Labcorp
Classification: Uncertain significance. Last evaluated: 2021-12-19. Review status: criteria provided, single submitter. Criteria: Invitae Variant Classification Sherloc (09022015). Collection method: clinical testing. Allele origin: germline.
Comment: This sequence change replaces alanine, which is neutral and non-polar, with serine, which is neutral and polar, at codon 600 of the ERCC2 protein (p.Ala600Ser). This variant is not present in population databases (gnomAD no frequency). This variant has not been reported in the literature in individuals affected with ERCC2-related conditions. Algorithms developed to predict the effect of missense changes on protein structure and function are either unavailable or do not agree on the potential impact of this missense change (SIFT: "Deleterious"; PolyPhen-2: "Probably Damaging"; Align-GVGD: "Class C0"). In summary, the available evidence is currently insufficient to determine the role of this variant in disease. Therefore, it has been classified as a Variant of Uncertain Significance.